The following is an entry in ClinVar:

ClinVar aggregate classification (germline): Uncertain significance (1 of 4 stars; one submission).

Conditions:
Pheochromocytoma/paraganglioma syndrome 5. Also called: Paragangliomas 5; SDHA-Related Hereditary Paraganglioma-Pheochromocytoma Syndrome. Identifiers: Orphanet 29072, MedGen C3279992, MONDO:0013602, OMIM 614165.
Mitochondrial complex II deficiency, nuclear type 1. Also called: SUCCINATE CoQ REDUCTASE DEFICIENCY. Identifiers: Orphanet 3208, MedGen C5700310, MONDO:0100294, OMIM 252011.

Submission:

Labcorp Genetics (formerly Invitae), Labcorp
Classification: Uncertain significance for Paragangliomas 5; Mitochondrial complex II deficiency. Last evaluated: 2018-07-23. Review status: criteria provided, single submitter. Criteria: Invitae Variant Classification Sherloc (09022015). Collection method: clinical testing. Allele origin: germline.
Comment: This sequence change replaces arginine with isoleucine at codon 340 of the SDHA protein (p.Arg340Ile). The arginine residue is highly conserved and there is a moderate physicochemical difference between arginine and isoleucine. This variant is not present in population databases (ExAC no frequency). This variant has not been reported in the literature in individuals with SDHA-related disease. Algorithms developed to predict the effect of missense changes on protein structure and function (SIFT, PolyPhen-2, Align-GVGD) all suggest that this variant is likely to be disruptive, but these predictions have not been confirmed by published functional studies and their clinical significance is uncertain. In summary, the available evidence is currently insufficient to determine the role of this variant in disease. Therefore, it has been classified as a Variant of Uncertain Significance.

NM_004168.4(SDHA):c.1019G>T (p.Arg340Ile)

Gene: SDHA (succinate dehydrogenase complex flavoprotein subunit A; plus strand). Cytogenetic location: 5p15.33.
Variant type: single nucleotide variant.
Coding change: c.1019G>T on transcript NM_004168.4 (MANE Select); coding-DNA position 1019, G replaced by T.
Protein change: p.Arg340Ile; replaces arginine 340 with isoleucine.
Molecular consequence: missense variant.
Genome position (GRCh38, 1-based): chr5:233,600, G>T. VCF-style: chr5-233600-G-T. GRCh37 (hg19) VCF-style: chr5-233715-G-T.
Other names: c.875G>T, p.Arg292Ile (NM_001294332.2); c.1019G>T, p.Arg340Ile (NM_001330758.2); short protein forms R340I, R292I.
Identifiers: ClinVar variation 651709 (VCV000651709.1), dbSNP rs1579402602, ClinGen allele CA359012888.